The following is an entry in ClinVar:

ClinVar aggregate classification (germline): Uncertain significance (1 of 4 stars; one submission).

Conditions:
Hypogonadotropic hypogonadism 1 with or without anosmia (HH1). Also called: Kallmann syndrome, type 1, X-linked; DYSPLASIA OLFACTOGENITALIS OF DE MORSIER; HYPOGONADOTROPIC HYPOGONADISM 1 WITH ANOSMIA; KAL1-Related GnRH Deficiency (Kallmann Syndrome 1; Kallmann Syndrome, X-Linked); Hypogonadotropic hypogonadism 1 with or without anosmia (Kallmann syndrome 1); HYPOGONADOTROPIC HYPOGONADISM AND ANOSMIA. Identifiers: Orphanet 478, MedGen C1563719, MONDO:0010635, OMIM 308700. Disease mechanism: loss of function.

gnomAD v4.1: 15 of 1,209,613 alleles (0.0012%); highest among the groups gnomAD compares: Admixed American, 0.0044%; no homozygotes.

Submission:

Labcorp Genetics (formerly Invitae), Labcorp
Classification: Uncertain significance for Hypogonadotropic hypogonadism 1 with or without anosmia. Last evaluated: 2026-01-01. Review status: criteria provided, single submitter. Criteria: Invitae Variant Classification Sherloc (09022015). Collection method: clinical testing. Allele origin: germline.
Comment: This sequence change affects codon 483 of the ANOS1 mRNA. It is a 'silent' change, meaning that it does not change the encoded amino acid sequence of the ANOS1 protein. It affects a nucleotide within the consensus splice site. This variant is present in population databases (rs147662148, gnomAD 0.006%). This variant has not been reported in the literature in individuals affected with ANOS1-related conditions. Algorithms developed to predict the effect of sequence changes on RNA splicing suggest that this variant is not likely to affect RNA splicing. In summary, the available evidence is currently insufficient to determine the role of this variant in disease. Therefore, it has been classified as a Variant of Uncertain Significance.

NM_000216.4(ANOS1):c.1449C>T (p.His483=)

Gene: ANOS1 (anosmin 1; minus strand). Cytogenetic location: Xp22.31.
Variant type: single nucleotide variant.
Coding change: c.1449C>T on transcript NM_000216.4 (MANE Select); coding-DNA position 1449, C replaced by T.
Protein change: p.His483=; no amino-acid change (histidine 483 retained).
Molecular consequence: synonymous variant.
Genome position (GRCh38, 1-based): chrX:8,539,664, G>A on the plus strand (C>T on the coding strand, the complement: ANOS1 is on the minus strand). VCF-style: chrX-8539664-G-A. GRCh37 (hg19) VCF-style: chrX-8507705-G-A.
Identifiers: ClinVar variation 4690460 (VCV004690460.1).
Genomic context (GRCh38, chrX:8,539,664, plus strand): 5'-GTACATCCTCCTGTCTAATTATGTTCACAGATCAAGTTGGCCTAGAGATCATGTCCTTAC[G>A]TGGGTCATGCCAGATGATGCCTCTGATCCGGTTGTTCTGTTGTGGGCACACGCTTCAGGA-3'
Protein context (NP_000207.2, residues 473-493): TGSEASSGMT[His483=]ENYIILQDLS